The following is an entry in ClinVar:

NM_181486.4(TBX5):c.1199C>T (p.Thr400Met)

Gene: TBX5 (T-box transcription factor 5; minus strand). Cytogenetic location: 12q24.21.
Variant type: single nucleotide variant.
Coding change: c.1199C>T on transcript NM_181486.4 (MANE Select); coding-DNA position 1199, C replaced by T.
Protein change: p.Thr400Met; replaces threonine 400 with methionine.
Molecular consequence: missense variant.
Genome position (GRCh38, 1-based): chr12:114,355,890, G>A on the plus strand (C>T on the coding strand, the complement: TBX5 is on the minus strand). VCF-style: chr12-114355890-G-A. GRCh37 (hg19) VCF-style: chr12-114793695-G-A.
Other names: c.1199C>T, p.Thr400Met (NM_000192.3); c.1049C>T, p.Thr350Met (NM_080717.4); short protein forms T400M, T350M.
Identifiers: ClinVar variation 519228 (VCV000519228.14), dbSNP rs759766836, ClinGen allele CA6809385.
Genomic context (GRCh38, chr12:114,355,890, plus strand): 5'-CTGTCCATGGGCTGCACGGTGGTGACGGTGCAGCTGCTGTAGGAAGGCATGCTTGGCCAC[G>A]TGTTGCAGCTGATGTCCTCTAGGCTGGGCACAGGCTCGCTGGGGGGCGCAGAGCTGGCAT-3'
Protein context (NP_852259.1, residues 390-410): VPSLEDISCN[Thr400Met]WPSMPSYSSC

ClinVar aggregate classification (germline): Uncertain significance. Review status: criteria provided, multiple submitters, no conflicts (2 of 4 stars). 2 submissions from 2 submitters: Uncertain significance (2). Last evaluated 2022-07-09.

Conditions:
Cardiovascular phenotype. Identifiers: MedGen CN230736.
Aortic valve disease 2 (AOVD2). Identifiers: MedGen C3542024, MONDO:0013902, OMIM 614823.

Allele frequency attached by ClinVar (database versions not stated): gnomAD 0.00001 and 0.00002; gnomAD exomes 0.00001; ExAC 0.00002; TOPMed 0.00002.
gnomAD v4.1: 18 of 1,613,598 alleles (0.0011%); highest among the groups gnomAD compares: Non-Finnish European, 0.0014%; no homozygotes.

Submissions (2):

Labcorp Genetics (formerly Invitae), Labcorp
Classification: Uncertain significance for Aortic valve disease 2. Last evaluated: 2022-07-09. Review status: criteria provided, single submitter. Criteria: Invitae Variant Classification Sherloc (09022015). Collection method: clinical testing. Allele origin: germline.
Comment: In summary, the available evidence is currently insufficient to determine the role of this variant in disease. Therefore, it has been classified as a Variant of Uncertain Significance. Advanced modeling of protein sequence and biophysical properties (such as structural, functional, and spatial information, amino acid conservation, physicochemical variation, residue mobility, and thermodynamic stability) performed at Invitae indicates that this missense variant is not expected to disrupt TBX5 protein function. ClinVar contains an entry for this variant (Variation ID: 519228). This variant has not been reported in the literature in individuals affected with TBX5-related conditions. This variant is present in population databases (rs759766836, gnomAD 0.003%). This sequence change replaces threonine, which is neutral and polar, with methionine, which is neutral and non-polar, at codon 400 of the TBX5 protein (p.Thr400Met).

Ambry Genetics
Classification: Uncertain significance for Cardiovascular phenotype. Last evaluated: 2017-06-08. Review status: criteria provided, single submitter. Criteria: Ambry Variant Classification Scheme 2023. Collection method: clinical testing. Allele origin: germline.
Comment: The p.T400M variant (also known as c.1199C>T), located in coding exon 8 of the TBX5 gene, results from a C to T substitution at nucleotide position 1199. The threonine at codon 400 is replaced by methionine, an amino acid with similar properties. This amino acid position is not well conserved in available vertebrate species. In addition, this alteration is predicted to be tolerated by in silico analysis. Since supporting evidence is limited at this time, the clinical significance of this variant remains unclear.